The following is an entry in ClinVar:

ClinVar aggregate classification (germline): Conflicting classifications of pathogenicity. Review status: criteria provided, conflicting classifications (1 of 4 stars). 6 submissions from 5 submitters: Uncertain significance (2); Likely benign (3). 1 of the submissions does not count toward it. Last evaluated 2026-01-24.

Conditions:
CNGB3-related disorder. Also called: CNGB3-related condition; CNGB3-related disorders. Identifiers: MedGen CN239340.
Achromatopsia. Also called: Rod monochromatism. Identifiers: Orphanet 49382, MedGen C0152200, MONDO:0018852, HP:0011516.
Achromatopsia 3 (ACHM3). Also called: PINGELAPESE BLINDNESS; TOTAL COLORBLINDNESS WITH MYOPIA; ROD MONOCHROMACY 1; ROD MONOCHROMATISM 1; ACHROMATOPSIA WITH MYOPIA. Identifiers: Orphanet 49382, MedGen C1849792, MONDO:0009875, OMIM 262300.
Severe early-childhood-onset retinal dystrophy (STGD1). Also called: STGD; Stargardt macular dystrophy; Juvenile onset macular degeneration; Stargardt disease 1; MACULAR DYSTROPHY WITH FLECKS, TYPE 1. Identifiers: Orphanet 364055, Orphanet 827, MedGen C1855465, MeSH D000080362, MONDO:0009549, OMIM 248200.

Allele frequency attached by ClinVar (database versions not stated): gnomAD exomes 0.00008 and 0.00030; ExAC 0.00040; TOPMed 0.00122; 1000 Genomes Project 30x 0.00047; gnomAD 0.00122 and 0.00114; ESP Exome Variant Server 0.00192; 1000 Genomes Project 0.00040.
gnomAD v4.1: 300 of 1,613,998 alleles (0.019%); highest among the groups gnomAD compares: African/African-American, 0.36%; no homozygotes.

Submissions (6):

Labcorp Genetics (formerly Invitae), Labcorp
Classification: Likely benign. Last evaluated: 2026-01-24. Review status: criteria provided, single submitter. Criteria: Invitae Variant Classification Sherloc (09022015). Collection method: clinical testing. Allele origin: germline.

PreventionGenetics, part of Exact Sciences
Classification: Likely benign for CNGB3-related condition. Last evaluated: 2024-10-24. Review status: criteria provided, single submitter. Criteria: ACMG Guidelines, 2015. Collection method: clinical testing. Allele origin: germline.
Comment: This variant is classified as likely benign based on ACMG/AMP sequence variant interpretation guidelines (Richards et al. 2015 PMID: 25741868, with internal and published modifications).

Blueprint Genetics
Classification: Likely benign. Last evaluated: 2022-11-18. Review status: criteria provided, single submitter. Criteria: ACMG Guidelines, 2015. Collection method: clinical testing. Allele origin: germline.

Illumina Laboratory Services, Illumina
Classification: Uncertain significance for Achromatopsia 3. Last evaluated: 2018-01-13. Review status: criteria provided, single submitter. Criteria: ICSL Variant Classification Criteria 13 December 2019. Collection method: clinical testing. Allele origin: germline.

Illumina Laboratory Services, Illumina
Classification: Uncertain significance for Severe early-childhood-onset retinal dystrophy. Last evaluated: 2018-01-13. Review status: criteria provided, single submitter. Criteria: ICSL Variant Classification Criteria 13 December 2019. Collection method: clinical testing. Allele origin: germline.

Natera, Inc.
Classification: Likely benign for Achromatopsia. Last evaluated: 2019-10-28. Review status: no assertion criteria provided. Collection method: clinical testing. Allele origin: germline. Not counted in ClinVar's aggregate classification.

NM_019098.5(CNGB3):c.43G>C (p.Gly15Arg)

Gene: CNGB3 (cyclic nucleotide gated channel subunit beta 3; minus strand). Cytogenetic location: 8q21.3.
Variant type: single nucleotide variant.
Coding change: c.43G>C on transcript NM_019098.5 (MANE Select); coding-DNA position 43, G replaced by C.
Protein change: p.Gly15Arg; replaces glycine 15 with arginine.
Molecular consequence: missense variant.
Genome position (GRCh38, 1-based): chr8:86,743,585, C>G on the plus strand (G>C on the coding strand, the complement: CNGB3 is on the minus strand). VCF-style: chr8-86743585-C-G. GRCh37 (hg19) VCF-style: chr8-87755813-C-G.
Other names: short protein forms G15R.
Identifiers: ClinVar variation 363888 (VCV000363888.18), dbSNP rs150260103, ClinGen allele CA4800544.